The following is an entry in ClinVar:

NM_024753.5(TTC21B):c.3631G>A (p.Ala1211Thr)

Gene: TTC21B (tetratricopeptide repeat domain 21B; minus strand). Cytogenetic location: 2q24.3.
Variant type: single nucleotide variant.
Coding change: c.3631G>A on transcript NM_024753.5 (MANE Select); coding-DNA position 3631, G replaced by A.
Protein change: p.Ala1211Thr; replaces alanine 1211 with threonine.
Molecular consequence: missense variant.
Genome position (GRCh38, 1-based): chr2:165,883,847, C>T on the plus strand (G>A on the coding strand, the complement: TTC21B is on the minus strand). VCF-style: chr2-165883847-C-T. GRCh37 (hg19) VCF-style: chr2-166740357-C-T.
Other names: c.3631G>A (NM_024753.3, NM_024753.4); short protein forms A1211T.
Identifiers: ClinVar variation 1407075 (VCV001407075.10), dbSNP rs767696555, ClinGen allele CA1941462.

ClinVar aggregate classification (germline): Conflicting classifications of pathogenicity. Review status: criteria provided, conflicting classifications (1 of 4 stars). 4 submissions from 4 submitters: Uncertain significance (3); Likely benign (1). Last evaluated 2026-05-26.

Conditions:
Inborn genetic diseases. Identifiers: MedGen C0950123, MeSH D030342.
Nephronophthisis. Also called: Juvenile Nephronophthisis. Identifiers: Orphanet 655, MedGen C0687120, MONDO:0019005, HP:0000090.
Jeune thoracic dystrophy. Also called: Jeune syndrome; Infantile thoracic dystrophy; Thoracic pelvic phalangeal dystrophy; Jeune's syndrome; Chondroectodermal dysplasia-like syndrome; Short-rib thoracic dysplasia. Identifiers: Orphanet 474, MedGen C0265275, MONDO:0018770.
TTC21B-related disorder. Also called: TTC21B-related disorders; TTC21B-related condition.
Nephronophthisis 12 (NPHP12). Identifiers: Orphanet 655, MedGen C3151186, MONDO:0013442, OMIM 613820.
Asphyxiating thoracic dystrophy 4 (SRTD4). Also called: SHORT-RIB THORACIC DYSPLASIA 4 WITH OR WITHOUT POLYDACTYLY; SHORT-RIB THORACIC DYSPLASIA 4. Identifiers: Orphanet 474, MedGen C3151185, MONDO:0013441, OMIM 613819.

Allele frequency attached by ClinVar (database versions not stated): ExAC 0.00001; gnomAD exomes 0.00001 and 0.00002; gnomAD 0.00009 and 0.00011; TOPMed 0.00020.
gnomAD v4.1: 24 of 1,613,942 alleles (0.0015%); highest among the groups gnomAD compares: African/African-American, 0.024%; no homozygotes.

Submissions (4):

PreventionGenetics, part of Exact Sciences
Classification: Uncertain significance for TTC21B-related condition. Last evaluated: 2026-05-26. Review status: criteria provided, single submitter. Criteria: ACMG Guidelines, 2015. Collection method: clinical testing. Allele origin: germline.
Comment: The TTC21B c.3631G>A variant is predicted to result in the amino acid substitution p.Ala1211Thr. To our knowledge, this variant has not been reported in the literature. This variant is reported in 0.032% of alleles in individuals of African descent in gnomAD. Although we suspect that this variant may be benign, at this time, the clinical significance of this variant is uncertain due to the absence of conclusive functional and genetic evidence.

Labcorp Genetics (formerly Invitae), Labcorp
Classification: Likely benign for Jeune thoracic dystrophy; Nephronophthisis. Last evaluated: 2025-10-06. Review status: criteria provided, single submitter. Criteria: Invitae Variant Classification Sherloc (09022015). Collection method: clinical testing. Allele origin: germline.

Fulgent Genetics
Classification: Uncertain significance for Asphyxiating thoracic dystrophy 4; Nephronophthisis 12. Last evaluated: 2024-04-27. Review status: criteria provided, single submitter. Criteria: ACMG Guidelines, 2015. Collection method: clinical testing. Allele origin: germline.

Ambry Genetics
Classification: Uncertain significance for Inborn genetic diseases. Last evaluated: 2023-11-13. Review status: criteria provided, single submitter. Criteria: Ambry Variant Classification Scheme 2023. Collection method: clinical testing. Allele origin: germline.